The following is an entry in ClinVar:

NM_032888.4(COL27A1):c.2653C>T (p.Arg885Trp)

Gene: COL27A1 (collagen type XXVII alpha 1 chain; plus strand). Cytogenetic location: 9q32.
Variant type: single nucleotide variant.
Coding change: c.2653C>T on transcript NM_032888.4 (MANE Select); coding-DNA position 2653, C replaced by T.
Protein change: p.Arg885Trp; replaces arginine 885 with tryptophan.
Molecular consequence: missense variant.
Genome position (GRCh38, 1-based): chr9:114,237,014, C>T. VCF-style: chr9-114237014-C-T. GRCh37 (hg19) VCF-style: chr9-116999294-C-T.
Other names: c.2653C>T (NM_032888.2); short protein forms R885W.
Identifiers: ClinVar variation 2137416 (VCV002137416.4), dbSNP rs535822192, ClinGen allele CA5202001.

ClinVar aggregate classification (germline): Uncertain significance. Review status: criteria provided, multiple submitters, no conflicts (2 of 4 stars). 3 submissions from 3 submitters: Uncertain significance (3). Last evaluated 2025-08-27.

Conditions:
Inborn genetic diseases. Identifiers: MedGen C0950123, MeSH D030342.

Allele frequency attached by ClinVar (database versions not stated): TOPMed 0.00007; gnomAD 0.00008; ExAC 0.00013; 1000 Genomes Project 0.00020; 1000 Genomes Project 30x 0.00031.
gnomAD v4.1: 144 of 1,610,496 alleles (0.0089%); highest among the groups gnomAD compares: South Asian, 0.038%; no homozygotes.

Submissions (3):

Ambry Genetics
Classification: Uncertain significance for Inborn genetic diseases. Last evaluated: 2025-08-27. Review status: criteria provided, single submitter. Criteria: Ambry Variant Classification Scheme 2023. Collection method: clinical testing. Allele origin: germline.

Blueprint Genetics
Classification: Uncertain significance. Last evaluated: 2023-10-16. Review status: criteria provided, single submitter. Criteria: ACMG Guidelines, 2015. Collection method: clinical testing. Allele origin: germline.

Labcorp Genetics (formerly Invitae), Labcorp
Classification: Uncertain significance. Last evaluated: 2022-06-22. Review status: criteria provided, single submitter. Criteria: Invitae Variant Classification Sherloc (09022015). Collection method: clinical testing. Allele origin: germline.
Comment: This sequence change replaces arginine, which is basic and polar, with tryptophan, which is neutral and slightly polar, at codon 885 of the COL27A1 protein (p.Arg885Trp). This variant is present in population databases (rs535822192, gnomAD 0.04%). This variant has not been reported in the literature in individuals affected with COL27A1-related conditions. Advanced modeling of protein sequence and biophysical properties (such as structural, functional, and spatial information, amino acid conservation, physicochemical variation, residue mobility, and thermodynamic stability) performed at Invitae indicates that this missense variant is not expected to disrupt COL27A1 protein function. In summary, the available evidence is currently insufficient to determine the role of this variant in disease. Therefore, it has been classified as a Variant of Uncertain Significance.